The following is an entry in ClinVar:

NM_000277.3(PAH):c.1163_1164del (p.Val388fs)

Gene: PAH (phenylalanine hydroxylase; minus strand). Cytogenetic location: 12q23.2.
Variant type: Deletion.
Coding change: c.1163_1164del on transcript NM_000277.3 (MANE Select); coding-DNA positions 1163 to 1164, 2 bases deleted (TG; older notation c.1163_1164delTG).
Protein change: p.Val388fs; shifts the reading frame from valine 388.
Molecular consequence: frameshift variant.
Genome position (GRCh38, 1-based): chr12:102,843,681-102,843,682, CA deleted on the plus strand (TG on the coding strand, the reverse complement: PAH is on the minus strand); deleting any 2 consecutive bases within chr12:102,843,681-102,843,683 gives the same sequence; the c. name uses the placement nearest the transcript's 3' end. VCF-style (leftmost placement, unchanged base first): chr12-102843680-CCA-C. GRCh37 (hg19) VCF-style: chr12-103237458-CCA-C.
Other names: c.1163_1164del, p.Val388fs (NM_001354304.2); short protein forms V388fs.
Identifiers: ClinVar variation 102542 (VCV000102542.2), dbSNP rs199475629, ClinGen allele CA229367.

ClinVar aggregate classification (germline): Pathogenic. Review status: reviewed by expert panel (3 of 4 stars). 2 submissions from 2 submitters: Pathogenic (1). 1 of the submissions does not count toward it. Last evaluated 2020-10-29.

Conditions:
Phenylketonuria (PKU). Also called: Phenylketonuria (PKU); FOLLING DISEASE; OLIGOPHRENIA PHENYLPYRUVICA; Phenylketonurias. Identifiers: Orphanet 716, MedGen C0031485, MONDO:0009861, OMIM 261600. Disease mechanism: loss of function.

Submissions (2):

ClinGen PAH Variant Curation Expert Panel
Classification: Pathogenic for Phenylketonuria. Last evaluated: 2020-10-29. Review status: reviewed by expert panel. Criteria: ClinGen PAH ACMG Specifications v1. Collection method: curation. Allele origin: germline. Inheritance: Autosomal recessive inheritance.
Comment: BH4 deficiency not excluded (PMID: 10200057; PP4). This frameshift variant is predicted to undergo NMD, not located in last exon or last 50bp of preliminary exon. Coding exon number 11 out of 13 coding exons (11 out of total exons) (PVS1). This variant is absent from population databases (PM2). In summary, this variant meets criteria to be classified as pathogenic for PAH. PAH-specific ACMG/AMP criteria applied: PVS1, PM2, PP4.

DeBelle Laboratory for Biochemical Genetics, MUHC/MCH RESEARCH INSTITUTE
No classification provided. Review status: no classification provided. Collection method: not provided. Allele origin: not provided. Not counted in ClinVar's aggregate classification.

Literature cited by the submitters: PubMed 10200057 (cited by ClinGen PAH Variant Curation Expert Panel).